The following is an entry in ClinVar:

NM_000944.5(PPP3CA):c.176G>A (p.Ser59Asn)

Gene: PPP3CA (protein phosphatase 3 catalytic subunit alpha; minus strand). Cytogenetic location: 4q24.
Variant type: single nucleotide variant.
Coding change: c.176G>A on transcript NM_000944.5 (MANE Select); coding-DNA position 176, G replaced by A.
Protein change: p.Ser59Asn; replaces serine 59 with asparagine.
Molecular consequence: missense variant.
Genome position (GRCh38, 1-based): chr4:101,195,999, C>T on the plus strand (G>A on the coding strand, the complement: PPP3CA is on the minus strand). VCF-style: chr4-101195999-C-T. GRCh37 (hg19) VCF-style: chr4-102117156-C-T.
Other names: c.176G>A, p.Ser59Asn (NM_001130691.2, NM_001130692.2); short protein forms S59N.
Identifiers: ClinVar variation 3658198 (VCV003658198.2).
Genomic context (GRCh38, chr4:101,195,999, plus strand): 5'-AGCAAATTTTTTTCCTGTCGAAGAATTGATGCACCCTCTGTTATTATTCTCAATGCAACA[C>T]TCTCTTCCAGCCTTCCCTCCTTCATAAGATGCGCCTTTAAGATATCCACACGAGGTTTTC-3'
Protein context (NP_000935.1, residues 49-69): HLMKEGRLEE[Ser59Asn]VALRIITEGA

ClinVar aggregate classification (germline): Uncertain significance (1 of 4 stars; one submission).

gnomAD v4.1: 2 of 1,614,106 alleles (0.00012%); highest among the groups gnomAD compares: East Asian, 0.0022%; no homozygotes.

Submission:

Labcorp Genetics (formerly Invitae), Labcorp
Classification: Uncertain significance. Last evaluated: 2024-06-29. Review status: criteria provided, single submitter. Criteria: Invitae Variant Classification Sherloc (09022015). Collection method: clinical testing. Allele origin: germline.
Comment: This sequence change replaces serine, which is neutral and polar, with asparagine, which is neutral and polar, at codon 59 of the PPP3CA protein (p.Ser59Asn). This variant is present in population databases (no rsID available, gnomAD 0.006%). This variant has not been reported in the literature in individuals affected with PPP3CA-related conditions. Advanced modeling of protein sequence and biophysical properties (such as structural, functional, and spatial information, amino acid conservation, physicochemical variation, residue mobility, and thermodynamic stability) performed at Invitae indicates that this missense variant is not expected to disrupt PPP3CA protein function with a negative predictive value of 80%. In summary, the available evidence is currently insufficient to determine the role of this variant in disease. Therefore, it has been classified as a Variant of Uncertain Significance.